The following is an entry in ClinVar:

ClinVar aggregate classification (germline): Uncertain significance (1 of 4 stars; one submission).

Conditions:
Cryopyrin associated periodic syndrome (CAPS). Identifiers: Orphanet 208650, MedGen C2316212, MONDO:0016168.

Submission:

Labcorp Genetics (formerly Invitae), Labcorp
Classification: Uncertain significance for Cryopyrin associated periodic syndrome. Last evaluated: 2020-06-06. Review status: criteria provided, single submitter. Criteria: Invitae Variant Classification Sherloc (09022015). Collection method: clinical testing. Allele origin: germline.
Comment: This sequence change replaces proline with serine at codon 42 of the NLRP3 protein (p.Pro42Ser). The proline residue is moderately conserved and there is a moderate physicochemical difference between proline and serine. This variant is not present in population databases (ExAC no frequency). This variant has not been reported in the literature in individuals with NLRP3-related conditions. Algorithms developed to predict the effect of missense changes on protein structure and function are either unavailable or do not agree on the potential impact of this missense change (SIFT: "Tolerated"; PolyPhen-2: "Probably Damaging"; Align-GVGD: "Class C0"). In summary, the available evidence is currently insufficient to determine the role of this variant in disease. Therefore, it has been classified as a Variant of Uncertain Significance.

NM_001243133.2(NLRP3):c.118C>T (p.Pro40Ser)

Gene: NLRP3 (NLR family pyrin domain containing 3; plus strand). Cytogenetic location: 1q44.
Variant type: single nucleotide variant.
Coding change: c.118C>T on transcript NM_001243133.2 (MANE Select); coding-DNA position 118, C replaced by T.
Protein change: p.Pro40Ser; replaces proline 40 with serine.
Molecular consequence: missense variant.
Genome position (GRCh38, 1-based): chr1:247,418,918, C>T. VCF-style: chr1-247418918-C-T. GRCh37 (hg19) VCF-style: chr1-247582220-C-T.
Other names: c.118C>T, p.Pro40Ser (NM_001079821.3, NM_001127461.3, NM_001127462.3 and 1 more transcripts); c.124C>T, p.Pro42Ser (NM_004895.5); short protein forms P40S, P42S.
Identifiers: ClinVar variation 1015930 (VCV001015930.8), dbSNP rs1662241543, ClinGen allele CA345552326.